The following is an entry in ClinVar:

ClinVar aggregate classification (germline): Uncertain significance (1 of 4 stars; one submission).

Conditions:
Generalized epilepsy-paroxysmal dyskinesia syndrome (PNKD3). Also called: Paroxysmal nonkinesigenic dyskinesia, 3, with or without generalized epilepsy; Generalized epilepsy and paroxysmal dyskinesia. Identifiers: Orphanet 79137, MedGen C5574945, MONDO:0012276, OMIM 609446.

Submission:

Victorian Clinical Genetics Services, Murdoch Childrens Research Institute
Classification: Uncertain significance for Generalized epilepsy-paroxysmal dyskinesia syndrome. Last evaluated: 2025-04-16. Review status: criteria provided, single submitter. Criteria: ACMG Guidelines, 2015. Collection method: clinical testing. Allele origin: germline. Affected: yes.
Comment: This variant is classified as VUS-3B. Evidence in support of pathogenic classification: An alternate nucleotide change resulting in the same amino acid change is present in gnomAD <0.001 for a dominant condition (v4: 1 heterozygote(s), 0 homozygote(s). Additional information: Variant is predicted to result in a missense amino acid change from methionine to leucine; This variant is heterozygous; This gene is associated with both recessive and dominant disease. Biallelic individuals are mostly reported to have CADEDS (OMIM); This variant has no previous evidence of pathogenicity; No published segregation evidence has been identified for this variant; No published functional evidence has been identified for this variant; No comparable missense variants have previous evidence for pathogenicity; Variant is not located in an established domain, motif, hotspot or informative constraint region; Missense variant with inconclusive in silico prediction and uninformative conservation; Loss of function and gain of function are known mechanisms of disease in this gene and are associated with cerebellar atrophy, developmental delay, and seizures (CADEDS; MIM#617643), and paroxysmal nonkinesigenic dyskinesia, 3 with or without generalized epilepsy (PNKD3; MIM#609446), respectively (OMIM). Missense variants have been reported in individuals with PNKD3, while those resulting in a premature termination codon and rare missense variants have been reported in biallelic individuals with CADEDS (PMID: 31152168, PMID: 29330545). Additionally, missense variants causing Liang-Wang syndrome (MIM#618729) have been functionally proven to have a loss of function effect; however, a dominant negative mechanism is speculated (PMID: 31152168); Inheritance information for this variant is not currently available in this individual.

Literature cited by the submitters: PubMed 29330545; PubMed 31152168.

NM_001161352.2(KCNMA1):c.256A>C (p.Met86Leu)

Gene: KCNMA1 (potassium calcium-activated channel subfamily M alpha 1; minus strand). Cytogenetic location: 10q22.3.
Variant type: single nucleotide variant.
Coding change: c.256A>C on transcript NM_001161352.2 (MANE Select); coding-DNA position 256, A replaced by C.
Protein change: p.Met86Leu; replaces methionine 86 with leucine.
Molecular consequence: missense variant.
Genome position (GRCh38, 1-based): chr10:77,637,387, T>G on the plus strand (A>C on the coding strand, the complement: KCNMA1 is on the minus strand). VCF-style: chr10-77637387-T-G. GRCh37 (hg19) VCF-style: chr10-79397145-T-G.
Other names: c.256A>C, p.Met86Leu (NM_001014797.3, NM_001161353.2, NM_001271518.2 and 15 more transcripts); short protein forms M86L.
Identifiers: ClinVar variation 4531530 (VCV004531530.1).